The following is an entry in ClinVar:

ClinVar aggregate classification (germline): Uncertain significance (1 of 4 stars; one submission).

Submission:

GeneDx
Classification: Uncertain significance. Last evaluated: 2025-04-17. Review status: criteria provided, single submitter. Criteria: GeneDx Variant Classification Process June 2021. Collection method: clinical testing. Allele origin: germline. Affected: yes.
Comment: Not observed at significant frequency in large population cohorts (gnomAD); In silico analysis supports a deleterious effect on splicing; Has not been previously published as pathogenic or benign to our knowledge

NM_003470.3(USP7):c.907-6T>G

Gene: USP7 (ubiquitin specific peptidase 7; minus strand). Cytogenetic location: 16p13.2.
Variant type: single nucleotide variant.
Coding change: c.907-6T>G on transcript NM_003470.3 (MANE Select); 6 bases into the intron before coding-DNA position 907, T replaced by G.
Molecular consequence: intron variant.
Genome position (GRCh38, 1-based): chr16:8,915,531, A>C on the plus strand (T>G on the coding strand, the complement: USP7 is on the minus strand). VCF-style: chr16-8915531-A-C. GRCh37 (hg19) VCF-style: chr16-9009388-A-C.
Other names: c.733-6T>G (NM_001321858.2); c.859-6T>G (NM_001286457.2); c.610-6T>G (NM_001286458.2).
Identifiers: ClinVar variation 4282073 (VCV004282073.1).